The following is an entry in ClinVar:

ClinVar aggregate classification (germline): Uncertain significance (1 of 4 stars; one submission).

Submission:

CeGaT Center for Human Genetics Tuebingen
Classification: Uncertain significance. Last evaluated: 2025-01-01. Review status: criteria provided, single submitter. Criteria: CeGaT Center For Human Genetics Tuebingen Variant Classification Criteria Version 2. Collection method: clinical testing. Allele origin: germline. Affected: yes. Observed: 1 variant allele.
Comment: KDM5C: PM2, PP3

NM_004187.5(KDM5C):c.4156G>A (p.Gly1386Ser)

Gene: KDM5C (lysine demethylase 5C; minus strand). Cytogenetic location: Xp11.22.
Variant type: single nucleotide variant.
Coding change: c.4156G>A on transcript NM_004187.5 (MANE Select); coding-DNA position 4156, G replaced by A.
Protein change: p.Gly1386Ser; replaces glycine 1386 with serine.
Molecular consequence: missense variant. On other transcripts: non-coding transcript variant (3).
Genome position (GRCh38, 1-based): chrX:53,193,598, C>T on the plus strand (G>A on the coding strand, the complement: KDM5C is on the minus strand). VCF-style: chrX-53193598-C-T. GRCh37 (hg19) VCF-style: chrX-53222780-C-T.
Other names: c.3946G>A, p.Gly1316Ser (NM_001146702.2); c.4153G>A, p.Gly1385Ser (NM_001282622.3, NM_001353979.2); c.4147G>A, p.Gly1383Ser (NM_001353978.3, NM_001353981.2, NM_001353984.2); c.4144G>A, p.Gly1382Ser (NM_001353982.2); short protein forms G1316S, G1382S, G1383S, G1385S, G1386S.
Identifiers: ClinVar variation 3771961 (VCV003771961.13).